The following is an entry in ClinVar:

ClinVar aggregate classification (germline): Pathogenic (1 of 4 stars; one submission).

Conditions:
Fanconi anemia (FA). Also called: Fanconi's anemia. Identifiers: Orphanet 84, MedGen C0015625, MeSH D005199, MONDO:0019391.

Submission:

Labcorp Genetics (formerly Invitae), Labcorp
Classification: Pathogenic for Fanconi anemia. Last evaluated: 2024-03-06. Review status: criteria provided, single submitter. Criteria: Invitae Variant Classification Sherloc (09022015). Collection method: clinical testing. Allele origin: germline.
Comment: This sequence change creates a premature translational stop signal (p.Thr704Asnfs*13) in the FANCM gene. It is expected to result in an absent or disrupted protein product. Loss-of-function variants in FANCM are known to be pathogenic (PMID: 29895858, 30075111). This variant is not present in population databases (gnomAD no frequency). This variant has not been reported in the literature in individuals affected with FANCM-related conditions. For these reasons, this variant has been classified as Pathogenic.

Literature cited by the submitters: PubMed 29895858; PubMed 30075111.

NM_020937.4(FANCM):c.2108dup (p.Thr704fs)

Gene: FANCM (FA complementation group M; plus strand). Cytogenetic location: 14q21.2.
Variant type: Duplication.
Coding change: c.2108dup on transcript NM_020937.4 (MANE Select); coding-DNA position 2108, one base duplicated (T; older notation c.2108dupT).
Protein change: p.Thr704fs; shifts the reading frame from threonine 704.
Molecular consequence: frameshift variant.
Genome position (GRCh38, 1-based): chr14:45,170,694, T duplicated. VCF-style (leftmost placement, unchanged base first): chr14-45170693-A-AT. GRCh37 (hg19) VCF-style: chr14-45639896-A-AT.
Other names: c.2030dup, p.Thr678fs (NM_001308133.2); short protein forms T678fs, T704fs.
Identifiers: ClinVar variation 2831720 (VCV002831720.3), dbSNP rs2547654457, ClinGen allele CA2739277945.